The following is an entry in ClinVar:

ClinVar aggregate classification (germline): Uncertain significance (1 of 4 stars; one submission).

Conditions:
Familial hemophagocytic lymphohistiocytosis 5. Also called: STXBP2-Related Familial Hemophagocytic Lymphohistiocytosis (STXBP2-fHLH). Identifiers: Orphanet 540, MedGen C2751293, MONDO:0013135, OMIM 613101.

Allele frequency attached by ClinVar (database versions not stated): gnomAD exomes 0.00002.
gnomAD v4.1: 9 of 1,614,148 alleles (0.00056%); highest among the groups gnomAD compares: Non-Finnish European, 0.00076%; no homozygotes.

Submission:

Labcorp Genetics (formerly Invitae), Labcorp
Classification: Uncertain significance for Familial hemophagocytic lymphohistiocytosis 5. Last evaluated: 2022-08-15. Review status: criteria provided, single submitter. Criteria: Invitae Variant Classification Sherloc (09022015). Collection method: clinical testing. Allele origin: germline.
Comment: This sequence change replaces tyrosine, which is neutral and polar, with cysteine, which is neutral and slightly polar, at codon 254 of the STXBP2 protein (p.Tyr254Cys). This variant is not present in population databases (gnomAD no frequency). This variant has not been reported in the literature in individuals affected with STXBP2-related conditions. Algorithms developed to predict the effect of missense changes on protein structure and function are either unavailable or do not agree on the potential impact of this missense change (SIFT: "Deleterious"; PolyPhen-2: "Probably Damaging"; Align-GVGD: "Class C0"). In summary, the available evidence is currently insufficient to determine the role of this variant in disease. Therefore, it has been classified as a Variant of Uncertain Significance.

NM_006949.4(STXBP2):c.761A>G (p.Tyr254Cys)

Gene: STXBP2 (syntaxin binding protein 2; plus strand). Cytogenetic location: 19p13.2.
Variant type: single nucleotide variant.
Coding change: c.761A>G on transcript NM_006949.4 (MANE Select); coding-DNA position 761, A replaced by G.
Protein change: p.Tyr254Cys; replaces tyrosine 254 with cysteine.
Molecular consequence: missense variant. On other transcripts: non-coding transcript variant (1).
Genome position (GRCh38, 1-based): chr19:7,642,300, A>G. VCF-style: chr19-7642300-A-G. GRCh37 (hg19) VCF-style: chr19-7707186-A-G.
Other names: c.752A>G, p.Tyr251Cys (NM_001127396.3); c.794A>G, p.Tyr265Cys (NM_001272034.2); c.665A>G, p.Tyr222Cys (NM_001414484.1); short protein forms Y222C, Y254C, Y251C, Y265C.
Identifiers: ClinVar variation 2103296 (VCV002103296.1), dbSNP rs2512697824, ClinGen allele CA403158904.